The following is an entry in ClinVar:

NM_000535.7(PMS2):c.928T>C (p.Tyr310His)

Gene: PMS2 (PMS1 homolog 2, mismatch repair system component; minus strand). Cytogenetic location: 7p22.1.
Variant type: single nucleotide variant.
Coding change: c.928T>C on transcript NM_000535.7 (MANE Select); coding-DNA position 928, T replaced by C.
Protein change: p.Tyr310His; replaces tyrosine 310 with histidine.
Molecular consequence: missense variant. On other transcripts: 5 prime UTR variant (2), non-coding transcript variant (1).
Genome position (GRCh38, 1-based): chr7:5,992,033, A>G on the plus strand (T>C on the coding strand, the complement: PMS2 is on the minus strand). VCF-style: chr7-5992033-A-G. GRCh37 (hg19) VCF-style: chr7-6031664-A-G.
Other names: c.523T>C, p.Tyr175His (NM_001322003.2, NM_001322004.2, NM_001322005.2 and 2 more transcripts); c.928T>C, p.Tyr310His (NM_001322006.2, NM_001322014.2); c.610T>C, p.Tyr204His (NM_001322007.2, NM_001322008.2); c.-6T>C (NM_001322011.2, NM_001322012.2); c.355T>C, p.Tyr119His (NM_001322013.2); c.619T>C, p.Tyr207His (NM_001322015.2); c.928T>C (NM_000535.5); short protein forms Y119H, Y204H, Y207H, Y175H, Y310H.
Identifiers: ClinVar variation 1432011 (VCV001432011.9), dbSNP rs2128755950, ClinGen allele CA366743180.

ClinVar aggregate classification (germline): Uncertain significance. Review status: criteria provided, multiple submitters, no conflicts (2 of 4 stars). 2 submissions from 2 submitters: Uncertain significance (2). Last evaluated 2025-07-14.

Conditions:
Hereditary nonpolyposis colorectal neoplasms. Identifiers: MedGen C0009405, MeSH D003123.
Hereditary cancer-predisposing syndrome. Also called: Hereditary Cancer Syndrome; Hereditary neoplastic syndrome; Neoplastic Syndromes, Hereditary; Tumor predisposition. Identifiers: Orphanet 140162, MedGen C0027672, MeSH D009386, MONDO:0015356.

Submissions (2):

Ambry Genetics
Classification: Uncertain significance for Hereditary cancer-predisposing syndrome. Last evaluated: 2025-07-14. Review status: criteria provided, single submitter. Criteria: Ambry Variant Classification Scheme 2023. Collection method: clinical testing. Allele origin: germline.
Comment: The p.Y310H variant (also known as c.928T>C), located in coding exon 9 of the PMS2 gene, results from a T to C substitution at nucleotide position 928. The tyrosine at codon 310 is replaced by histidine, an amino acid with similar properties. This amino acid position is conserved. In addition, this alteration is predicted to be deleterious by in silico analysis. Based on the available evidence, the clinical significance of this variant remains unclear.

Labcorp Genetics (formerly Invitae), Labcorp
Classification: Uncertain significance for Hereditary nonpolyposis colorectal neoplasms. Last evaluated: 2021-07-03. Review status: criteria provided, single submitter. Criteria: Invitae Variant Classification Sherloc (09022015). Collection method: clinical testing. Allele origin: germline.
Comment: This sequence change replaces tyrosine with histidine at codon 310 of the PMS2 protein (p.Tyr310His). The tyrosine residue is highly conserved and there is a moderate physicochemical difference between tyrosine and histidine. This variant is not present in population databases (ExAC no frequency). This variant has not been reported in the literature in individuals affected with PMS2-related conditions. Advanced modeling of protein sequence and biophysical properties (such as structural, functional, and spatial information, amino acid conservation, physicochemical variation, residue mobility, and thermodynamic stability) performed at Invitae indicates that this missense variant is not expected to disrupt PMS2 protein function. In summary, the available evidence is currently insufficient to determine the role of this variant in disease. Therefore, it has been classified as a Variant of Uncertain Significance.